The following is an entry in ClinVar:

ClinVar aggregate classification (germline): Conflicting classifications of pathogenicity. Review status: criteria provided, conflicting classifications (1 of 4 stars). 3 submissions from 3 submitters: Uncertain significance (1); Likely benign (2). Last evaluated 2025-11-12.

Allele frequency attached by ClinVar (database versions not stated): ESP Exome Variant Server 0.00069; gnomAD exomes 0.00007 and 0.00012; ExAC 0.00015; 1000 Genomes Project 30x 0.00031; 1000 Genomes Project 0.00040; gnomAD 0.00048; TOPMed 0.00050.
gnomAD v4.1: 194 of 1,613,860 alleles (0.012%); highest among the groups gnomAD compares: African/African-American, 0.21%; no homozygotes.

Submissions (3):

Labcorp Genetics (formerly Invitae), Labcorp
Classification: Likely benign. Last evaluated: 2025-11-12. Review status: criteria provided, single submitter. Criteria: Invitae Variant Classification Sherloc (09022015). Collection method: clinical testing. Allele origin: germline.

Women's Health and Genetics/Laboratory Corporation of America, LabCorp
Classification: Likely benign. Last evaluated: 2025-03-03. Review status: criteria provided, single submitter. Criteria: LabCorp Variant Classification Summary - May 2015. Collection method: clinical testing. Allele origin: germline.
Comment: Variant summary: CFHR5 c.835T>A (p.Tyr279Asn) results in a non-conservative amino acid change in the encoded protein sequence. Four of five in-silico tools predict a benign effect of the variant on protein function. The variant allele was found at a frequency of 0.00012 in 251288 control chromosomes, predominantly at a frequency of 0.0015 within the African or African-American subpopulation in the gnomAD database. The observed variant frequency within African or African-American control individuals in the gnomAD database exceeds the estimated maximal expected allele frequency for a pathogenic variant in CFHR5 causing CFHR5 Deficiency phenotype. c.835T>A has been reported in the literature in individuals affected with CFHR5 Deficiency. These report(s) do not provide unequivocal conclusions about association of the variant with CFHR5 Deficiency. To our knowledge, no experimental evidence demonstrating an impact on protein function has been reported. ClinVar contains an entry for this variant (Variation ID: 732917). Based on the evidence outlined above, the variant was classified as likely benign.

Mayo Clinic Laboratories, Mayo Clinic
Classification: Uncertain significance. Last evaluated: 2021-08-20. Review status: criteria provided, single submitter. Criteria: ACMG Guidelines, 2015. Collection method: clinical testing. Allele origin: germline.

Literature cited by the submitters: PubMed 37744338 (cited by Women's Health and Genetics/Laboratory Corporation of America, LabCorp).

NM_030787.4(CFHR5):c.835T>A (p.Tyr279Asn)

Gene: CFHR5 (complement factor H related 5; plus strand). Cytogenetic location: 1q31.3.
Variant type: single nucleotide variant.
Coding change: c.835T>A on transcript NM_030787.4 (MANE Select); coding-DNA position 835, T replaced by A.
Protein change: p.Tyr279Asn; replaces tyrosine 279 with asparagine.
Molecular consequence: missense variant.
Genome position (GRCh38, 1-based): chr1:196,996,066, T>A. VCF-style: chr1-196996066-T-A. GRCh37 (hg19) VCF-style: chr1-196965196-T-A.
Other names: short protein forms Y279N.
Identifiers: ClinVar variation 732917 (VCV000732917.15), dbSNP rs143240067, ClinGen allele CA1307893.
Genomic context (GRCh38, chr1:196,996,066, plus strand): 5'-TATTACATTTTCTTAGAACAAGTGAAAACATGTGGATACATACCTGAACTCGAGTACGGT[T>A]ATGTTCAGCCGTCTGTCCCTCCCTATCAACATGGAGTTTCAGTCGAGGTGAATTGCAGAA-3'
Protein context (NP_110414.1, residues 269-289): CGYIPELEYG[Tyr279Asn]VQPSVPPYQH